The following is an entry in ClinVar:

ClinVar aggregate classification (germline): Benign. Review status: criteria provided, multiple submitters, no conflicts (2 of 4 stars). 2 submissions from 2 submitters: Benign (2). Last evaluated 2018-01-12.

Conditions:
Isolated focal non-epidermolytic palmoplantar keratoderma. Also called: Palmoplantar keratoderma, nonepidermolytic, focal 2. Identifiers: Orphanet 448264, MedGen C4225339, MONDO:0014622, OMIM 616400.

Allele frequency attached by ClinVar (database versions not stated): TOPMed 0.10695; gnomAD 0.09312 and 0.10006; 1000 Genomes Project 0.10164; 1000 Genomes Project 30x 0.10634.

Submissions (2):

Illumina Laboratory Services, Illumina
Classification: Benign for Isolated focal non-epidermolytic palmoplantar keratoderma. Last evaluated: 2018-01-12. Review status: criteria provided, single submitter. Criteria: ICSL Variant Classification Criteria 13 December 2019. Collection method: clinical testing. Allele origin: germline.
Comment: This variant was observed in the ICSL laboratory as part of a predisposition screen in an ostensibly healthy population. It had not been previously curated by ICSL or reported in the Human Gene Mutation Database (HGMD: prior to June 1st, 2018), and was therefore a candidate for classification through an automated scoring system. Utilizing variant allele frequency, disease prevalence and penetrance estimates, and inheritance mode, an automated score was calculated to assess if this variant is too frequent to cause the disease. Based on the score and internal cut-off values, a variant classified as benign is not then subjected to further curation. The score for this variant resulted in a classification of benign for this disease.

Breakthrough Genomics
Classification: Benign. Review status: criteria provided, single submitter. Criteria: ACMG Guidelines, 2015. Collection method: not provided. Allele origin: germline. Inheritance: Autosomal dominant inheritance. Affected: yes.

NM_145068.3(TRPV3):c.-142G>C

Gene: TRPV3 (transient receptor potential cation channel subfamily V member 3; minus strand). Cytogenetic location: 17p13.2.
Variant type: single nucleotide variant.
Coding change: c.-142G>C on transcript NM_145068.3; 142 bases upstream of the start codon, G replaced by C.
Genome position (GRCh38, 1-based): chr17:3,557,815, C>G on the plus strand (G>C on the coding strand, the complement: TRPV3 is on the minus strand). VCF-style: chr17-3557815-C-G. GRCh37 (hg19) VCF-style: chr17-3461109-C-G.
Identifiers: ClinVar variation 322804 (VCV000322804.8), dbSNP rs11870904, ClinGen allele CA10649084.